The following is an entry in ClinVar:

NM_004369.4(COL6A3):c.7175-32G>A

Gene: COL6A3 (collagen type VI alpha 3 chain; minus strand). Cytogenetic location: 2q37.3.
Variant type: single nucleotide variant.
Coding change: c.7175-32G>A on transcript NM_004369.4 (MANE Select); 32 bases into the intron before coding-DNA position 7175, G replaced by A.
Molecular consequence: intron variant.
Genome position (GRCh38, 1-based): chr2:237,344,875, C>T on the plus strand (G>A on the coding strand, the complement: COL6A3 is on the minus strand). VCF-style: chr2-237344875-C-T. GRCh37 (hg19) VCF-style: chr2-238253518-C-T.
Other names: c.5354-32G>A (NM_057166.5); c.6557-32G>A (NM_057167.4).
Identifiers: ClinVar variation 94982 (VCV000094982.7), dbSNP rs6725567, ClinGen allele CA148020.

ClinVar aggregate classification (germline): Benign. Review status: criteria provided, multiple submitters, no conflicts (2 of 4 stars). 4 submissions from 4 submitters: Benign (4). Last evaluated 2018-06-16.

Allele frequency attached by ClinVar (database versions not stated): 1000 Genomes Project 0.07448; TOPMed 0.07575; ESP Exome Variant Server 0.07896; 1000 Genomes Project 30x 0.07901; gnomAD exomes 0.02308 and 0.03301; ExAC 0.03699; gnomAD 0.06789 and 0.07108.
gnomAD v4.1: 44,642 of 1,613,880 alleles (2.8%); highest among the groups gnomAD compares: African/African-American, 19%; 1,843 homozygotes.

Submissions (4):

GeneDx
Classification: Benign. Last evaluated: 2018-06-16. Review status: criteria provided, single submitter. Criteria: GeneDx Variant Classification (06012015). Collection method: clinical testing. Allele origin: germline. Affected: yes.
Comment: This variant is considered likely benign or benign based on one or more of the following criteria: it is a conservative change, it occurs at a poorly conserved position in the protein, it is predicted to be benign by multiple in silico algorithms, and/or has population frequency not consistent with disease.

Eurofins Ntd Llc (ga)
Classification: Benign. Last evaluated: 2012-11-05. Review status: criteria provided, single submitter. Criteria: EGL Classification Definitions 2015. Collection method: clinical testing. Allele origin: germline. Observed: 4 variant alleles, 4 heterozygotes.

Breakthrough Genomics
Classification: Benign. Review status: criteria provided, single submitter. Criteria: ACMG Guidelines, 2015. Collection method: not provided. Allele origin: germline. Inheritance: Autosomal recessive inheritance. Affected: yes.

PreventionGenetics, part of Exact Sciences
Classification: Benign. Review status: criteria provided, single submitter. Criteria: ACMG Guidelines, 2015. Collection method: clinical testing. Allele origin: germline.